The following is an entry in ClinVar:

ClinVar aggregate classification (germline): Uncertain significance (1 of 4 stars; one submission).

Conditions:
Developmental and epileptic encephalopathy, 14 (DEE14). Also called: Early infantile epileptic encephalopathy 14. Identifiers: Orphanet 293181, MedGen C3554195, MONDO:0013989, OMIM 614959.
Autosomal dominant nocturnal frontal lobe epilepsy 5. Also called: KCNT1-Related Epilepsy; CILIARY DYSKINESIA, PRIMARY, 28, WITH SITUS INVERSUS; Epilepsy, nocturnal frontal lobe, 5; CILIARY DYSKINESIA, PRIMARY, 28, WITHOUT SITUS INVERSUS. Identifiers: Orphanet 98784, MedGen C3554306, MONDO:0014002, OMIM 615005.

Submission:

Labcorp Genetics (formerly Invitae), Labcorp
Classification: Uncertain significance for Autosomal dominant nocturnal frontal lobe epilepsy 5; Developmental and epileptic encephalopathy, 14. Last evaluated: 2024-10-15. Review status: criteria provided, single submitter. Criteria: Invitae Variant Classification Sherloc (09022015). Collection method: clinical testing. Allele origin: germline.
Comment: This sequence change replaces alanine, which is neutral and non-polar, with valine, which is neutral and non-polar, at codon 587 of the KCNT1 protein (p.Ala587Val). This variant is not present in population databases (gnomAD no frequency). This variant has not been reported in the literature in individuals affected with KCNT1-related conditions. ClinVar contains an entry for this variant (Variation ID: 1433068). Invitae Evidence Modeling of protein sequence and biophysical properties (such as structural, functional, and spatial information, amino acid conservation, physicochemical variation, residue mobility, and thermodynamic stability) has been performed for this missense variant. However, the output from this modeling did not meet the statistical confidence thresholds required to predict the impact of this variant on KCNT1 protein function. In summary, the available evidence is currently insufficient to determine the role of this variant in disease. Therefore, it has been classified as a Variant of Uncertain Significance.

NM_020822.3(KCNT1):c.1760C>T (p.Ala587Val)

Gene: KCNT1 (potassium sodium-activated channel subfamily T member 1; plus strand). Cytogenetic location: 9q34.3.
Variant type: single nucleotide variant.
Coding change: c.1760C>T on transcript NM_020822.3 (MANE Select); coding-DNA position 1760, C replaced by T.
Protein change: p.Ala587Val; replaces alanine 587 with valine.
Molecular consequence: missense variant.
Genome position (GRCh38, 1-based): chr9:135,770,438, C>T. VCF-style: chr9-135770438-C-T. GRCh37 (hg19) VCF-style: chr9-138662284-C-T.
Other names: c.1625C>T, p.Ala542Val (NM_001272003.2); short protein forms A587V, A542V.
Identifiers: ClinVar variation 1433068 (VCV001433068.8), dbSNP rs2131508404, ClinGen allele CA375506859.